The following is an entry in ClinVar:

ClinVar aggregate classification (germline): Uncertain significance (1 of 4 stars; one submission).

Conditions:
Hypertrophic cardiomyopathy. Also called: HYPERTROPHIC MYOCARDIOPATHY. Identifiers: Orphanet 217569, MedGen C0007194, MeSH D002312, MONDO:0005045, HP:0001639.

Submission:

Labcorp Genetics (formerly Invitae), Labcorp
Classification: Uncertain significance for Hypertrophic cardiomyopathy. Last evaluated: 2023-05-29. Review status: criteria provided, single submitter. Criteria: Invitae Variant Classification Sherloc (09022015). Collection method: clinical testing. Allele origin: germline.
Comment: This variant is not present in population databases (gnomAD no frequency). In summary, the available evidence is currently insufficient to determine the role of this variant in disease. Therefore, it has been classified as a Variant of Uncertain Significance. This variant has not been reported in the literature in individuals affected with MYH7-related conditions. This sequence change creates a premature translational stop signal (p.Ser1065Argfs*16) in the MYH7 gene. It is expected to result in an absent or disrupted protein product. However, the current clinical and genetic evidence is not sufficient to establish whether loss-of-function variants in MYH7 cause disease.

NM_000257.4(MYH7):c.3195del (p.Ser1065fs)

Gene: MYH7 (myosin heavy chain 7; minus strand). Cytogenetic location: 14q11.2.
Variant type: Deletion.
Coding change: c.3195del on transcript NM_000257.4 (MANE Select); coding-DNA position 3195, one base deleted (C; older notation c.3195delC).
Protein change: p.Ser1065fs; shifts the reading frame from serine 1065.
Molecular consequence: frameshift variant.
Genome position (GRCh38, 1-based): chr14:23,422,230, G deleted on the plus strand (C on the coding strand, the reverse complement: MYH7 is on the minus strand). VCF-style (leftmost placement, unchanged base first): chr14-23422229-TG-T. GRCh37 (hg19) VCF-style: chr14-23891438-TG-T.
Other names: c.3195del, p.Ser1065fs (NM_001407004.1); short protein forms S1065fs.
Identifiers: ClinVar variation 2738186 (VCV002738186.3), dbSNP rs2502272385, ClinGen allele CA2697553841.